The following is an entry in ClinVar:

ClinVar aggregate classification (germline): Uncertain significance. Review status: criteria provided, multiple submitters, no conflicts (2 of 4 stars). 3 submissions from 3 submitters: Uncertain significance (3). Last evaluated 2025-04-09.

Conditions:
Hereditary cancer-predisposing syndrome. Also called: Neoplastic Syndromes, Hereditary; Tumor predisposition; Hereditary neoplastic syndrome; Hereditary Cancer Syndrome. Identifiers: Orphanet 140162, MedGen C0027672, MeSH D009386, MONDO:0015356.
Colorectal cancer, susceptibility to, 12 (CRCS12). Also called: COLORECTAL CANCER, SUSCEPTIBILITY TO, ON CHROMOSOME 12q24. Identifiers: Orphanet 220460, MedGen C3554460, MONDO:0014038, OMIM 615083.

Allele frequency attached by ClinVar (database versions not stated): TOPMed below 0.00001.
gnomAD v4.1: 2 of 1,614,210 alleles (0.00012%); highest among the groups gnomAD compares: Non-Finnish European, 0.00017%; no homozygotes.

Submissions (3):

Ambry Genetics
Classification: Uncertain significance for Hereditary cancer-predisposing syndrome. Last evaluated: 2025-04-09. Review status: criteria provided, single submitter. Criteria: Ambry Variant Classification Scheme 2023. Collection method: clinical testing. Allele origin: germline.
Comment: The p.E740K variant (also known as c.2218G>A), located in coding exon 20 of the POLE gene, results from a G to A substitution at nucleotide position 2218. The glutamic acid at codon 740 is replaced by lysine, an amino acid with similar properties. This amino acid position is conserved. In addition, the in silico prediction for this alteration is inconclusive. Since supporting evidence is limited at this time, the clinical significance of this alteration remains unclear.

Labcorp Genetics (formerly Invitae), Labcorp
Classification: Uncertain significance. Last evaluated: 2023-03-24. Review status: criteria provided, single submitter. Criteria: Invitae Variant Classification Sherloc (09022015). Collection method: clinical testing. Allele origin: germline.
Comment: ClinVar contains an entry for this variant (Variation ID: 1210264). Advanced modeling of protein sequence and biophysical properties (such as structural, functional, and spatial information, amino acid conservation, physicochemical variation, residue mobility, and thermodynamic stability) has been performed at Invitae for this missense variant, however the output from this modeling did not meet the statistical confidence thresholds required to predict the impact of this variant on POLE protein function. RNA analysis performed to evaluate the impact of this missense change on mRNA splicing indicates it does not significantly alter splicing (Invitae). In summary, the available evidence is currently insufficient to determine the role of this variant in disease. Therefore, it has been classified as a Variant of Uncertain Significance. This variant has not been reported in the literature in individuals affected with POLE-related conditions. This sequence change replaces glutamic acid, which is acidic and polar, with lysine, which is basic and polar, at codon 740 of the POLE protein (p.Glu740Lys). This variant is not present in population databases (gnomAD no frequency).

Institute of Human Genetics, University of Goettingen
Classification: Uncertain significance for Colorectal cancer, susceptibility to, 12. Last evaluated: 2021-08-26. Review status: criteria provided, single submitter. Criteria: ACMG Guidelines, 2015. Collection method: clinical testing. Allele origin: unknown. Inheritance: Autosomal dominant inheritance. Observed: 1 variant allele, 1 heterozygote.
Comment: The variant c.2218G>A (p.(Glu740Lys)) in exon 20 of the POLE-gene is not found in the gnomAD database, it affects a highly conserved nucleotide, a highly conserved amino acid within a protein domain and there is a small physicochemical difference between Glu and Lys. This variant has a pathogenic computational verdict based on 8 pathogenic predictions from BayesDel_addAF, DANN, EIGEN, FATHMM-MKL, LIST-S2, MutationAssessor, MutationTaster and PolyPhen-2 vs 5 benign predictions from DEOGEN2, M-CAP, MVP, PrimateAI and SIFT. Our internal RNA-analysis via reverse transcription polymerase chain reaction (RT-PCR) showed no impact on RNA splicing. ACMG criteria used for classification: PM2, PP3.

NM_006231.4(POLE):c.2218G>A (p.Glu740Lys)

Gene: POLE (DNA polymerase epsilon, catalytic subunit; minus strand). Cytogenetic location: 12q24.33.
Variant type: single nucleotide variant.
Coding change: c.2218G>A on transcript NM_006231.4 (MANE Select); coding-DNA position 2218, G replaced by A.
Protein change: p.Glu740Lys; replaces glutamic acid 740 with lysine.
Molecular consequence: missense variant.
Genome position (GRCh38, 1-based): chr12:132,667,604, C>T on the plus strand (G>A on the coding strand, the complement: POLE is on the minus strand). VCF-style: chr12-132667604-C-T. GRCh37 (hg19) VCF-style: chr12-133244190-C-T.
Other names: c.2218G>A (NM_006231.2); short protein forms E740K.
Identifiers: ClinVar variation 1210264 (VCV001210264.12), dbSNP rs1331682009, ClinGen allele CA387352280.